The following is an entry in ClinVar:

ClinVar aggregate classification (germline): Uncertain significance (1 of 4 stars; one submission).

Submission:

Ambry Genetics
Classification: Uncertain significance. Last evaluated: 2025-05-24. Review status: criteria provided, single submitter. Criteria: Ambry Variant Classification Scheme 2023. Collection method: clinical testing. Allele origin: germline.
Comment: The p.T1363I variant (also known as c.4088C>T), located in coding exon 14 of the CDK12 gene, results from a C to T substitution at nucleotide position 4088. The threonine at codon 1363 is replaced by isoleucine, an amino acid with similar properties. This amino acid position is conserved. In addition, this alteration is predicted to be tolerated by in silico analysis. Based on the available evidence, the clinical significance of this variant remains unclear.

NM_016507.4(CDK12):c.4088C>T (p.Thr1363Ile)

Gene: CDK12 (cyclin dependent kinase 12; plus strand). Cytogenetic location: 17q12.
Variant type: single nucleotide variant.
Coding change: c.4088C>T on transcript NM_016507.4 (MANE Select); coding-DNA position 4088, C replaced by T.
Protein change: p.Thr1363Ile; replaces threonine 1363 with isoleucine.
Molecular consequence: missense variant.
Genome position (GRCh38, 1-based): chr17:39,530,931, C>T. VCF-style: chr17-39530931-C-T. GRCh37 (hg19) VCF-style: chr17-37687184-C-T.
Other names: c.4061C>T, p.Thr1354Ile (NM_015083.4); short protein forms T1354I, T1363I.
Identifiers: ClinVar variation 3999493 (VCV003999493.1).